The following is an entry in ClinVar:

NM_001379500.1(COL18A1):c.2378C>T (p.Pro793Leu)

Gene: COL18A1 (collagen type XVIII alpha 1 chain; plus strand). Cytogenetic location: 21q22.3.
Variant type: single nucleotide variant.
Coding change: c.2378C>T on transcript NM_001379500.1 (MANE Select); coding-DNA position 2378, C replaced by T.
Protein change: p.Pro793Leu; replaces proline 793 with leucine.
Molecular consequence: missense variant.
Genome position (GRCh38, 1-based): chr21:45,494,570, C>T. VCF-style: chr21-45494570-C-T. GRCh37 (hg19) VCF-style: chr21-46914484-C-T.
Other names: c.2918C>T, p.Pro973Leu (NM_030582.4); c.3623C>T, p.Pro1208Leu (NM_130444.3); short protein forms P973L, P1208L, P793L.
Identifiers: ClinVar variation 1360527 (VCV001360527.4), dbSNP rs367551698, ClinGen allele CA10067026.

ClinVar aggregate classification (germline): Uncertain significance. Review status: criteria provided, multiple submitters, no conflicts (2 of 4 stars). 2 submissions from 2 submitters: Uncertain significance (2). Last evaluated 2023-12-12.

Allele frequency attached by ClinVar (database versions not stated): gnomAD 0.00001; ESP Exome Variant Server 0.00008.
gnomAD v4.1: 78 of 1,613,062 alleles (0.0048%); highest among the groups gnomAD compares: Middle Eastern, 0.017%; no homozygotes.

Submissions (2):

Blueprint Genetics
Classification: Uncertain significance. Last evaluated: 2023-12-12. Review status: criteria provided, single submitter. Criteria: ACMG Guidelines, 2015. Collection method: clinical testing. Allele origin: germline.

Labcorp Genetics (formerly Invitae), Labcorp
Classification: Uncertain significance. Last evaluated: 2022-10-13. Review status: criteria provided, single submitter. Criteria: Invitae Variant Classification Sherloc (09022015). Collection method: clinical testing. Allele origin: germline.
Comment: This sequence change replaces proline, which is neutral and non-polar, with leucine, which is neutral and non-polar, at codon 793 of the COL18A1 protein (p.Pro793Leu). This variant is present in population databases (rs367551698, gnomAD 0.009%). This variant has not been reported in the literature in individuals affected with COL18A1-related conditions. ClinVar contains an entry for this variant (Variation ID: 1360527). Experimental studies and prediction algorithms are not available or were not evaluated, and the functional significance of this variant is currently unknown. In summary, the available evidence is currently insufficient to determine the role of this variant in disease. Therefore, it has been classified as a Variant of Uncertain Significance.